The following is an entry in ClinVar:

NM_032119.4(ADGRV1):c.16543_16544dup (p.Leu5515fs)

Gene: ADGRV1 (adhesion G protein-coupled receptor V1; plus strand). Cytogenetic location: 5q14.3.
Variant type: Duplication.
Coding change: c.16543_16544dup on transcript NM_032119.4 (MANE Select); coding-DNA positions 16543 to 16544, 2 bases duplicated (TT; older notation c.16543_16544dupTT).
Protein change: p.Leu5515fs; shifts the reading frame from leucine 5515.
Molecular consequence: frameshift variant. On other transcripts: non-coding transcript variant (1).
Genome position (GRCh38, 1-based): chr5:90,829,118-90,829,119, TT duplicated; duplicating any 2 consecutive bases within chr5:90,829,117-90,829,119 gives the same sequence; the c. name uses the placement nearest the transcript's 3' end. VCF-style (leftmost placement, unchanged base first): chr5-90829116-C-CTT. GRCh37 (hg19) VCF-style: chr5-90124933-C-CTT.
Other names: short protein forms L5515fs.
Identifiers: ClinVar variation 2096966 (VCV002096966.4), dbSNP rs2532352818, ClinGen allele CA2580073757.

ClinVar aggregate classification (germline): Pathogenic (1 of 4 stars; one submission).

Submission:

Labcorp Genetics (formerly Invitae), Labcorp
Classification: Pathogenic. Last evaluated: 2022-07-09. Review status: criteria provided, single submitter. Criteria: Invitae Variant Classification Sherloc (09022015). Collection method: clinical testing. Allele origin: germline.
Comment: For these reasons, this variant has been classified as Pathogenic. This variant has not been reported in the literature in individuals affected with ADGRV1-related conditions. This variant is not present in population databases (gnomAD no frequency). This sequence change creates a premature translational stop signal (p.Leu5515Phefs*2) in the ADGRV1 gene. It is expected to result in an absent or disrupted protein product. Loss-of-function variants in ADGRV1 are known to be pathogenic (PMID: 19357117, 22135276, 22147658, 26226137, 30718709, 31047384, 32467589).

Literature cited by the submitters: PubMed 19357117; PubMed 22135276; PubMed 22147658; PubMed 26226137; PubMed 30718709; PubMed 31047384; PubMed 32467589.